The following is an entry in ClinVar:

ClinVar aggregate classification (germline): Uncertain significance (1 of 4 stars; one submission).

Allele frequency attached by ClinVar (database versions not stated): TOPMed below 0.00001; ExAC 0.00001; gnomAD exomes 0.00001.

Submission:

Labcorp Genetics (formerly Invitae), Labcorp
Classification: Uncertain significance. Last evaluated: 2022-04-09. Review status: criteria provided, single submitter. Criteria: Invitae Variant Classification Sherloc (09022015). Collection method: clinical testing. Allele origin: germline.
Comment: This sequence change replaces alanine, which is neutral and non-polar, with threonine, which is neutral and polar, at codon 15 of the AEBP1 protein (p.Ala15Thr). This variant is present in population databases (rs779371963, gnomAD 0.002%). This variant has not been reported in the literature in individuals affected with AEBP1-related conditions. Algorithms developed to predict the effect of missense changes on protein structure and function are either unavailable or do not agree on the potential impact of this missense change (SIFT: "Deleterious"; PolyPhen-2: "Not Available"; Align-GVGD: "Class C0"). In summary, the available evidence is currently insufficient to determine the role of this variant in disease. Therefore, it has been classified as a Variant of Uncertain Significance.

NM_001129.5(AEBP1):c.43G>A (p.Ala15Thr)

Gene: AEBP1 (AE binding protein 1; plus strand). Cytogenetic location: 7p13.
Variant type: single nucleotide variant.
Coding change: c.43G>A on transcript NM_001129.5 (MANE Select); coding-DNA position 43, G replaced by A.
Protein change: p.Ala15Thr; replaces alanine 15 with threonine.
Molecular consequence: missense variant.
Genome position (GRCh38, 1-based): chr7:44,104,708, G>A. VCF-style: chr7-44104708-G-A. GRCh37 (hg19) VCF-style: chr7-44144307-G-A.
Other names: short protein forms A15T.
Identifiers: ClinVar variation 2049233 (VCV002049233.4), dbSNP rs779371963, ClinGen allele CA4237406.